The following is an entry in ClinVar:

ClinVar aggregate classification (germline): Likely benign (1 of 4 stars; one submission).

Allele frequency attached by ClinVar (database versions not stated): gnomAD exomes 0.00014; ExAC 0.00007; ESP Exome Variant Server 0.00008; gnomAD 0.00011; TOPMed 0.00013.
gnomAD v4.1: 221 of 1,613,996 alleles (0.014%); highest among the groups gnomAD compares: Non-Finnish European, 0.017%; no homozygotes.

Submission:

CeGaT Center for Human Genetics Tuebingen
Classification: Likely benign. Last evaluated: 2022-10-01. Review status: criteria provided, single submitter. Criteria: CeGaT Center For Human Genetics Tuebingen Variant Classification Criteria Version 2. Collection method: clinical testing. Allele origin: germline. Affected: yes. Observed: 1 variant allele.
Comment: VPS16: BP4, BP7

NM_022575.4(VPS16):c.1254C>T (p.Phe418=)

Gene: VPS16 (VPS16 core subunit of CORVET and HOPS complexes; plus strand). Cytogenetic location: 20p13.
Variant type: single nucleotide variant.
Coding change: c.1254C>T on transcript NM_022575.4 (MANE Select); coding-DNA position 1254, C replaced by T.
Protein change: p.Phe418=; no amino-acid change (phenylalanine 418 retained).
Molecular consequence: synonymous variant. On other transcripts: intron variant (1).
Genome position (GRCh38, 1-based): chr20:2,862,857, C>T. VCF-style: chr20-2862857-C-T. GRCh37 (hg19) VCF-style: chr20-2843503-C-T.
Other names: c.900-208C>T (NM_080413.3).
Identifiers: ClinVar variation 2652160 (VCV002652160.24), dbSNP rs368671330, ClinGen allele CA9737658.